The following is an entry in ClinVar:

NM_000891.3(KCNJ2):c.166G>A (p.Val56Ile)

Gene: KCNJ2 (potassium inwardly rectifying channel subfamily J member 2; plus strand). Cytogenetic location: 17q24.3.
Variant type: single nucleotide variant.
Coding change: c.166G>A on transcript NM_000891.3 (MANE Select); coding-DNA position 166, G replaced by A.
Protein change: p.Val56Ile; replaces valine 56 with isoleucine.
Molecular consequence: missense variant.
Genome position (GRCh38, 1-based): chr17:70,175,205, G>A. VCF-style: chr17-70175205-G-A. GRCh37 (hg19) VCF-style: chr17-68171346-G-A.
Other names: short protein forms V56I.
Identifiers: ClinVar variation 1307723 (VCV001307723.2), dbSNP rs1264595509, ClinGen allele CA400860014.

ClinVar aggregate classification (germline): Uncertain significance (1 of 4 stars; one submission).

Allele frequency attached by ClinVar (database versions not stated): gnomAD 0.00001; TOPMed 0.00001.
gnomAD v4.1: 1 of 1,614,100 alleles (0.000062%); highest among the groups gnomAD compares: African/African-American, 0.0013%; no homozygotes.

Submission:

GeneDx
Classification: Uncertain significance. Last evaluated: 2019-08-07. Review status: criteria provided, single submitter. Criteria: GeneDx Variant Classification Process June 2021. Collection method: clinical testing. Allele origin: germline. Affected: yes.
Comment: Not observed in large population cohorts (Lek et al., 2016); In silico analysis, which includes protein predictors and evolutionary conservation, supports that this variant does not alter protein structure/function; Has not been previously published as pathogenic or benign to our knowledge